The following is an entry in ClinVar:

ClinVar aggregate classification (germline): Pathogenic (1 of 4 stars; one submission).

Conditions:
Familial adenomatous polyposis 1 (FAP1). Also called: FAMILIAL ADENOMATOUS POLYPOSIS 1, ATTENUATED; POLYPOSIS, ADENOMATOUS INTESTINAL. Identifiers: MedGen C2713442, MONDO:0021056, OMIM 175100. Disease mechanism: loss of function.

Submission:

Labcorp Genetics (formerly Invitae), Labcorp
Classification: Pathogenic for Familial adenomatous polyposis 1. Last evaluated: 2021-12-17. Review status: criteria provided, single submitter. Criteria: Invitae Variant Classification Sherloc (09022015). Collection method: clinical testing. Allele origin: germline.
Comment: For these reasons, this variant has been classified as Pathogenic. A different truncation (p.Tyr2645Lysfs*14) that lies downstream of this variant has been determined to be pathogenic (PMID: 9824584, 1316610, 27081525, 8381579, 22135120, Invitae). This suggests that deletion of this region of the APC protein is causative of disease. This variant has not been reported in the literature in individuals affected with APC-related conditions. This variant is not present in population databases (gnomAD no frequency). This sequence change creates a premature translational stop signal (p.Ser844Phefs*18) in the APC gene. While this is not anticipated to result in nonsense mediated decay, it is expected to disrupt the last 2000 amino acid(s) of the APC protein. This variant is expected to disrupt the EB1 and HDLG binding sites, which mediate interactions with the cytoskeleton (PMID: 15311282, 17293347). While functional studies have not been performed to directly test the effect on APC protein function, this suggests that disruption of the C-terminal portion of the protein is functionally important.

Literature cited by the submitters: PubMed 9824584; PubMed 1316610; PubMed 27081525; PubMed 8381579; PubMed 22135120; PubMed 15311282; PubMed 17293347.

NM_000038.6(APC):c.2529_2530dup (p.Ser844fs)

Gene: APC (APC regulator of Wnt signaling pathway; plus strand). Cytogenetic location: 5q22.2.
Variant type: Duplication.
Coding change: c.2529_2530dup on transcript NM_000038.6 (MANE Select); coding-DNA positions 2529 to 2530, 2 bases duplicated (TT; older notation c.2529_2530dupTT).
Protein change: p.Ser844fs; shifts the reading frame from serine 844.
Molecular consequence: frameshift variant.
Genome position (GRCh38, 1-based): chr5:112,838,123-112,838,124, TT duplicated. VCF-style (leftmost placement, unchanged base first): chr5-112838122-G-GTT. GRCh37 (hg19) VCF-style: chr5-112173819-G-GTT.
Other names: c.2529_2530dup, p.Ser844fs (NM_001127510.3, NM_001354895.2); c.2475_2476dup, p.Ser826fs (NM_001127511.3); c.2583_2584dup, p.Ser862fs (NM_001354896.2); c.2559_2560dup, p.Ser854fs (NM_001354897.2); c.2454_2455dup, p.Ser819fs (NM_001354898.2); c.2445_2446dup, p.Ser816fs (NM_001354899.2); c.2406_2407dup, p.Ser803fs (NM_001354900.2); c.2352_2353dup, p.Ser785fs (NM_001354901.2); and 16 more; short protein forms S561fs, S743fs, S785fs, S844fs, S854fs, S816fs, S819fs, S826fs.
Identifiers: ClinVar variation 2045143 (VCV002045143.4), dbSNP rs2533430086, ClinGen allele CA2580072632.
Genomic context (GRCh38, chr5:112,838,122, plus strand): 5'-CACCATATTTGAATACTACAGTGTTACCCAGCTCCTCTTCATCAAGAGGAAGCTTAGATA[G>GTT]TTCTCGTTCTGAAAAAGATAGAAGTTTGGAGAGAGAACGCGGAATTGGTCTAGGCAACTA-3'